The following is an entry in ClinVar:

ClinVar aggregate classification (germline): Pathogenic. Review status: criteria provided, multiple submitters, no conflicts (2 of 4 stars). 3 submissions from 3 submitters: Pathogenic (3). Last evaluated 2026-07-22.

Conditions:
Hereditary cancer-predisposing syndrome. Also called: Tumor predisposition; Neoplastic Syndromes, Hereditary; Hereditary Cancer Syndrome; Hereditary neoplastic syndrome. Identifiers: Orphanet 140162, MedGen C0027672, MeSH D009386, MONDO:0015356.
BAP1-related tumor predisposition syndrome (TPDS1). Also called: Tumor susceptibility linked to germline BAP1 mutations; BAP1 tumor predisposition syndrome; COMMON Syndrome; TUMOR PREDISPOSITION SYNDROME 1. Identifiers: Orphanet 289539, MedGen C3280492, MONDO:0013692, OMIM 614327.

Submissions (3):

Myriad Genetics, Inc.
Classification: Pathogenic for BAP1-related tumor predisposition syndrome. Last evaluated: 2026-07-22. Review status: criteria provided, single submitter. Criteria: Myriad Autosomal Dominant, Autosomal Recessive and X-Linked Classification Criteria (2023). Collection method: clinical testing. Allele origin: unknown.
Comment: This variant is considered pathogenic. This variant creates a termination codon and is predicted to result in premature protein truncation.

Ambry Genetics
Classification: Pathogenic for Hereditary cancer-predisposing syndrome. Last evaluated: 2025-11-10. Review status: criteria provided, single submitter. Criteria: Ambry Variant Classification Scheme 2023. Collection method: clinical testing. Allele origin: germline.
Comment: The c.1203_1214del12 pathogenic mutation (also known as p.Y401_E405delins*) is located in coding exon 12 of the BAP1 gene. This variant results from an in-frame TGAGGATGACGA deletion at nucleotide positions 1203 to 1214. This changes the amino acid at position 401 to a stop codon within coding exon 12. This variant was reported in individual(s) with features consistent with BAP1-associated disease (Ambry internal data). This variant is considered to be rare based on population cohorts in the Genome Aggregation Database (gnomAD). This alteration is expected to result in loss of function by premature protein truncation or nonsense-mediated mRNA decay. As such, this alteration is interpreted as a disease-causing mutation.

Labcorp Genetics (formerly Invitae), Labcorp
Classification: Pathogenic for BAP1-related tumor predisposition syndrome. Last evaluated: 2025-07-16. Review status: criteria provided, single submitter. Criteria: Invitae Variant Classification Sherloc (09022015). Collection method: clinical testing. Allele origin: germline.
Comment: This sequence change creates a premature translational stop signal (p.Tyr401*) in the BAP1 gene. It is expected to result in an absent or disrupted protein product. Loss-of-function variants in BAP1 are known to be pathogenic (PMID: 21874000, 23684012). This variant is not present in population databases (gnomAD no frequency). This variant has not been reported in the literature in individuals affected with BAP1-related conditions. ClinVar contains an entry for this variant (Variation ID: 539923). For these reasons, this variant has been classified as Pathogenic.

Literature cited by the submitters: PubMed 21874000 (cited by Labcorp Genetics (formerly Invitae), Labcorp); PubMed 23684012 (cited by Labcorp Genetics (formerly Invitae), Labcorp).

NM_004656.4(BAP1):c.1203_1214del (p.Tyr401_Glu405delinsTer)

Gene: BAP1 (BRCA1 associated deubiquitinase 1; minus strand). Cytogenetic location: 3p21.1.
Variant type: Deletion.
Coding change: c.1203_1214del on transcript NM_004656.4 (MANE Select); coding-DNA positions 1203 to 1214, 12 bases deleted (TGAGGATGACGA).
Protein change: p.Tyr401_Glu405delinsTer.
Molecular consequence: nonsense.
Genome position (GRCh38, 1-based): chr3:52,404,489-52,404,500, TCGTCATCCTCA deleted on the plus strand (TGAGGATGACGA on the coding strand, the reverse complement: BAP1 is on the minus strand); deleting any 12 consecutive bases within chr3:52,404,489-52,404,501 gives the same sequence; the c. name uses the placement nearest the transcript's 3' end. VCF-style (leftmost placement, unchanged base first): chr3-52404488-CTCGTCATCCTCA-C. GRCh37 (hg19) VCF-style: chr3-52438504-CTCGTCATCCTCA-C.
Other names: c.1203_1214del12 (NM_004656.2).
Identifiers: ClinVar variation 539923 (VCV000539923.9), dbSNP rs1553645117, ClinGen allele CA658796332.